The following is an entry in ClinVar:

ClinVar aggregate classification (germline): Uncertain significance (1 of 4 stars; one submission).

Submission:

GeneDx
Classification: Uncertain significance. Last evaluated: 2013-08-05. Review status: criteria provided, single submitter. Criteria: GeneDx Variant Classification (06012015). Collection method: clinical testing. Allele origin: germline. Affected: yes.
Comment: The T497K missense change in the SHOC2 gene has not been reported as a disease-causing mutation or as a benign polymorphism, to our knowledge. The T497K amino acid substitution is non-conservative with a neutral residue (Thr) being replaced by a positively charged residue (Lys). The residue at which this substitution occurs is highly conserved in the protein. The T497K variant was not observed in approximately 6,500 individuals of European and African American ancestry in the NHLBI Exome Sequencing Project, indicating it is not a common benign variant in these populations. However, the only mutation published to date in the SHOC2 gene is the S2G mutation. Therefore, the T497K missense change is interpreted as a variant of unknown significance. The variant is found in NOONAN panel(s).

NM_007373.4(SHOC2):c.1490C>A (p.Thr497Lys)

Gene: SHOC2 (SHOC2 leucine rich repeat scaffold protein; plus strand). Cytogenetic location: 10q25.2.
Variant type: single nucleotide variant.
Coding change: c.1490C>A on transcript NM_007373.4 (MANE Select); coding-DNA position 1490, C replaced by A.
Protein change: p.Thr497Lys; replaces threonine 497 with lysine.
Molecular consequence: missense variant. On other transcripts: non-coding transcript variant (1).
Genome position (GRCh38, 1-based): chr10:111,009,780, C>A. VCF-style: chr10-111009780-C-A. GRCh37 (hg19) VCF-style: chr10-112769538-C-A.
Other names: p.T497K:ACA>AAA; c.1352C>A, p.Thr451Lys (NM_001269039.3); c.1490C>A, p.Thr497Lys (NM_001324336.2, NM_001324337.2); short protein forms T497K, T451K.
Identifiers: ClinVar variation 181532 (VCV000181532.2), dbSNP rs730881023, ClinGen allele CA297187.